The following is an entry in ClinVar:

NM_005720.4(ARPC1B):c.214A>G (p.Thr72Ala)

Gene: ARPC1B (actin related protein 2/3 complex subunit 1B; plus strand). Cytogenetic location: 7q22.1.
Variant type: single nucleotide variant.
Coding change: c.214A>G on transcript NM_005720.4 (MANE Select); coding-DNA position 214, A replaced by G.
Protein change: p.Thr72Ala; replaces threonine 72 with alanine.
Molecular consequence: missense variant.
Genome position (GRCh38, 1-based): chr7:99,388,083, A>G. VCF-style: chr7-99388083-A-G. GRCh37 (hg19) VCF-style: chr7-98985706-A-G.
Other names: short protein forms T72A.
Identifiers: ClinVar variation 1478632 (VCV001478632.8), dbSNP rs780725992, ClinGen allele CA4363952.

ClinVar aggregate classification (germline): Uncertain significance (1 of 4 stars; one submission).

Allele frequency attached by ClinVar (database versions not stated): gnomAD exomes below 0.00001; TOPMed below 0.00001; ExAC 0.00001; gnomAD 0.00001.
gnomAD v4.1: 3 of 1,613,248 alleles (0.00019%); highest among the groups gnomAD compares: Admixed American, 0.0033%; no homozygotes.

Submission:

Labcorp Genetics (formerly Invitae), Labcorp
Classification: Uncertain significance. Last evaluated: 2024-11-04. Review status: criteria provided, single submitter. Criteria: Invitae Variant Classification Sherloc (09022015). Collection method: clinical testing. Allele origin: germline.
Comment: This sequence change replaces threonine, which is neutral and polar, with alanine, which is neutral and non-polar, at codon 72 of the ARPC1B protein (p.Thr72Ala). This variant is present in population databases (rs780725992, gnomAD 0.003%). This variant has not been reported in the literature in individuals affected with ARPC1B-related conditions. ClinVar contains an entry for this variant (Variation ID: 1478632). Invitae Evidence Modeling of protein sequence and biophysical properties (such as structural, functional, and spatial information, amino acid conservation, physicochemical variation, residue mobility, and thermodynamic stability) indicates that this missense variant is not expected to disrupt ARPC1B protein function with a negative predictive value of 80%. In summary, the available evidence is currently insufficient to determine the role of this variant in disease. Therefore, it has been classified as a Variant of Uncertain Significance.